The following is an entry in ClinVar:

ClinVar aggregate classification (germline): Pathogenic. Review status: criteria provided, multiple submitters, no conflicts (2 of 4 stars). 4 submissions from 4 submitters: Pathogenic (4). Last evaluated 2025-12-02.

Conditions:
Becker muscular dystrophy, Cardiomyopathy, Duchenne muscular dystrophy, Dystrophin deficiency.
Duchenne muscular dystrophy (DMD). Also called: Duchenne Muscular Dystrophy (DMD); MUSCULAR DYSTROPHY, PSEUDOHYPERTROPHIC PROGRESSIVE, DUCHENNE TYPE. Identifiers: Orphanet 98896, MedGen C0013264, MONDO:0010679, OMIM 310200.

Submissions (4):

Natera, Inc.
Classification: Pathogenic for Becker muscular dystrophy, Cardiomyopathy, Duchenne muscular dystrophy, Dystrophin deficiency. Last evaluated: 2025-12-02. Review status: criteria provided, single submitter. Criteria: Natera Variant Classification Schema (03/2026). Collection method: clinical testing. Allele origin: germline.
Comment: The c.1150-1G>A variant in DMD is a canonical splice acceptor site variant predicted to affect pre-mRNA splicing, which may result in an abnormal transcript and altered protein product. This variant is expected to result in nonsense mediated decay, truncation, or a dysfunctional protein product. This variant is rare in the general population with a frequency below the threshold expected for the associated phenotype(s). Functional studies show that this variant may disrupt protein function (PMID: 35428841). Another variant at this same site results in an alteration predicted to cause a similar molecular effect has been observed in individual(s) with the associated phenotype. Given the available evidence, this variant is classified as Pathogenic.

Labcorp Genetics (formerly Invitae), Labcorp
Classification: Pathogenic for Duchenne muscular dystrophy. Last evaluated: 2024-09-12. Review status: criteria provided, single submitter. Criteria: Invitae Variant Classification Sherloc (09022015). Collection method: clinical testing. Allele origin: germline.
Comment: This sequence change affects an acceptor splice site in intron 10 of the DMD gene. It is expected to disrupt RNA splicing. Variants that disrupt the donor or acceptor splice site typically lead to a loss of protein function (PMID: 16199547), and loss-of-function variants in DMD are known to be pathogenic (PMID: 16770791, 25007885). This variant is not present in population databases (gnomAD no frequency). Disruption of this splice site has been observed in individuals with Duchenne muscular dystrophy (PMID: 17726484, 28859693, 29973226, 32194622). ClinVar contains an entry for this variant (Variation ID: 285921). Algorithms developed to predict the effect of sequence changes on RNA splicing suggest that this variant may disrupt the consensus splice site. For these reasons, this variant has been classified as Pathogenic.

GeneDx
Classification: Pathogenic. Last evaluated: 2018-01-16. Review status: criteria provided, single submitter. Criteria: GeneDx Variant Classification (06012015). Collection method: clinical testing. Allele origin: germline. Affected: yes.
Comment: The c.1150-1 G>A variant in the DMD gene has not been published as a pathogenic variant, nor has it been reported as a benign variant to our knowledge. The c.1150-1 G>A splice site variant destroys the canonical splice acceptor site in intron 10. It is predicted to cause abnormal gene splicing, either leading to an abnormal message that is subject to nonsense-mediated mRNA decay, or to an abnormal protein product if the message is used for protein translation. Furthermore, the c.1150-1 G>A variant is not observed in large population cohorts (Lek et al., 2016). Therefore, we interpret c.1150-1 G>A as a pathogenic variant, and its presence is consistent with this individual being at least a carrier of a dystrophinopathy.

Eurofins Ntd Llc (ga)
Classification: Pathogenic. Last evaluated: 2016-02-01. Review status: criteria provided, single submitter. Criteria: EGL Classification Definitions 2015. Collection method: clinical testing. Allele origin: germline. Observed: 1 variant allele, 1 hemizygote.

Literature cited by the submitters: PubMed 35428841 (cited by Natera, Inc.); PubMed 16199547 (cited by Labcorp Genetics (formerly Invitae), Labcorp); PubMed 16770791 (cited by Labcorp Genetics (formerly Invitae), Labcorp); PubMed 25007885 (cited by Labcorp Genetics (formerly Invitae), Labcorp); PubMed 17726484 (cited by Labcorp Genetics (formerly Invitae), Labcorp); PubMed 28859693 (cited by Labcorp Genetics (formerly Invitae), Labcorp); PubMed 29973226 (cited by Labcorp Genetics (formerly Invitae), Labcorp); PubMed 32194622 (cited by Labcorp Genetics (formerly Invitae), Labcorp).

NM_004006.3(DMD):c.1150-1G>A

Gene: DMD (dystrophin; minus strand). Cytogenetic location: Xp21.1.
Variant type: single nucleotide variant.
Coding change: c.1150-1G>A on transcript NM_004006.3 (MANE Select); the canonical splice acceptor site of the intron before coding-DNA position 1150, G replaced by A.
Molecular consequence: splice acceptor variant.
Genome position (GRCh38, 1-based): chrX:32,644,314, C>T on the plus strand (G>A on the coding strand, the complement: DMD is on the minus strand). VCF-style: chrX-32644314-C-T. GRCh37 (hg19) VCF-style: chrX-32662431-C-T.
Other names: c.1126-1G>A (NM_000109.4); c.1138-1G>A (NM_004009.3); c.781-1G>A (NM_004010.3).
Identifiers: ClinVar variation 285921 (VCV000285921.9), dbSNP rs886043251, ClinGen allele CA10605293.